The following is an entry in ClinVar:

ClinVar aggregate classification (germline): Uncertain significance (1 of 4 stars; one submission).

gnomAD v4.1: 2 of 1,612,816 alleles (0.00012%); highest among the groups gnomAD compares: Non-Finnish European, 0.00017%; no homozygotes.

Submission:

Labcorp Genetics (formerly Invitae), Labcorp
Classification: Uncertain significance. Last evaluated: 2023-09-18. Review status: criteria provided, single submitter. Criteria: Invitae Variant Classification Sherloc (09022015). Collection method: clinical testing. Allele origin: germline.
Comment: This variant is present in population databases (no rsID available, gnomAD 0.0008%). This variant has not been reported in the literature in individuals affected with HSPG2-related conditions. An algorithm developed to predict the effect of missense changes on protein structure and function (PolyPhen-2) suggests that this variant is likely to be tolerated. In summary, the available evidence is currently insufficient to determine the role of this variant in disease. Therefore, it has been classified as a Variant of Uncertain Significance. This sequence change replaces arginine, which is basic and polar, with serine, which is neutral and polar, at codon 1971 of the HSPG2 protein (p.Arg1971Ser).

NM_005529.7(HSPG2):c.5911C>A (p.Arg1971Ser)

Gene: HSPG2 (heparan sulfate proteoglycan 2; minus strand). Cytogenetic location: 1p36.12.
Variant type: single nucleotide variant.
Coding change: c.5911C>A on transcript NM_005529.7 (MANE Select); coding-DNA position 5911, C replaced by A.
Protein change: p.Arg1971Ser; replaces arginine 1971 with serine.
Molecular consequence: missense variant.
Genome position (GRCh38, 1-based): chr1:21,855,390, G>T on the plus strand (C>A on the coding strand, the complement: HSPG2 is on the minus strand). VCF-style: chr1-21855390-G-T. GRCh37 (hg19) VCF-style: chr1-22181883-G-T.
Other names: c.5914C>A, p.Arg1972Ser (NM_001291860.2); short protein forms R1971S, R1972S.
Identifiers: ClinVar variation 2997055 (VCV002997055.3), dbSNP rs781782474, ClinGen allele CA338936239.